The following is an entry in ClinVar:

NM_018026.4(PACS1):c.445-2A>C

Gene: PACS1 (phosphofurin acidic cluster sorting protein 1; plus strand). Cytogenetic location: 11q13.2.
Variant type: single nucleotide variant.
Coding change: c.445-2A>C on transcript NM_018026.4 (MANE Select); the canonical splice acceptor site of the intron before coding-DNA position 445, A replaced by C.
Molecular consequence: splice acceptor variant.
Genome position (GRCh38, 1-based): chr11:66,210,360, A>C. VCF-style: chr11-66210360-A-C. GRCh37 (hg19) VCF-style: chr11-65977831-A-C.
Identifiers: ClinVar variation 3372934 (VCV003372934.1).

ClinVar aggregate classification (germline): Uncertain significance (1 of 4 stars; one submission).

Submission:

GeneDx
Classification: Uncertain significance. Last evaluated: 2024-04-25. Review status: criteria provided, single submitter. Criteria: GeneDx Variant Classification Process June 2021. Collection method: clinical testing. Allele origin: germline. Affected: yes.
Comment: Canonical splice site variant in a gene or region of a gene for which loss of function is not a well-established mechanism of disease; Not observed at significant frequency in large population cohorts (gnomAD); Has not been previously published as pathogenic or benign to our knowledge